The following is an entry in ClinVar:

NM_032656.4(DHX37):c.1174G>A (p.Val392Met)

Gene: DHX37 (DEAH-box helicase 37; minus strand). Cytogenetic location: 12q24.31.
Variant type: single nucleotide variant.
Coding change: c.1174G>A on transcript NM_032656.4 (MANE Select); coding-DNA position 1174, G replaced by A.
Protein change: p.Val392Met; replaces valine 392 with methionine.
Molecular consequence: missense variant.
Genome position (GRCh38, 1-based): chr12:124,971,319, C>T on the plus strand (G>A on the coding strand, the complement: DHX37 is on the minus strand). VCF-style: chr12-124971319-C-T. GRCh37 (hg19) VCF-style: chr12-125455865-C-T.
Other names: short protein forms V392M.
Identifiers: ClinVar variation 5008870 (VCV005008870.1).

ClinVar aggregate classification (germline): Uncertain significance (1 of 4 stars; one submission).

Submission:

GeneDx
Classification: Uncertain significance. Last evaluated: 2026-03-09. Review status: criteria provided, single submitter. Criteria: GeneDx Variant Classification Process June 2021. Collection method: clinical testing. Allele origin: germline.
Comment: Not observed at significant frequency in large population cohorts (gnomAD); In silico analysis supports that this missense variant has a deleterious effect on protein structure/function; Has not been previously published as pathogenic or benign to our knowledge